The following is an entry in ClinVar:

ClinVar aggregate classification (germline): Uncertain significance (1 of 4 stars; one submission).

Allele frequency attached by ClinVar (database versions not stated): TOPMed 0.00001.
gnomAD v4.1: 6 of 1,555,142 alleles (0.00039%); highest among the groups gnomAD compares: East Asian, 0.0024%; no homozygotes.

Submission:

Labcorp Genetics (formerly Invitae), Labcorp
Classification: Uncertain significance. Last evaluated: 2022-07-30. Review status: criteria provided, single submitter. Criteria: Invitae Variant Classification Sherloc (09022015). Collection method: clinical testing. Allele origin: germline.
Comment: In summary, the available evidence is currently insufficient to determine the role of this variant in disease. Therefore, it has been classified as a Variant of Uncertain Significance. Algorithms developed to predict the effect of missense changes on protein structure and function are either unavailable or do not agree on the potential impact of this missense change (SIFT: "Deleterious"; PolyPhen-2: "Benign"; Align-GVGD: "Class C0"). ClinVar contains an entry for this variant (Variation ID: 1487678). This variant has not been reported in the literature in individuals affected with GPR179-related conditions. This sequence change replaces arginine, which is basic and polar, with tryptophan, which is neutral and slightly polar, at codon 489 of the GPR179 protein (p.Arg489Trp). This variant is not present in population databases (gnomAD no frequency).

NM_001004334.4(GPR179):c.1465C>T (p.Arg489Trp)

Gene: GPR179 (G protein-coupled receptor 179; minus strand). Cytogenetic location: 17q12.
Variant type: single nucleotide variant.
Coding change: c.1465C>T on transcript NM_001004334.4 (MANE Select); coding-DNA position 1465, C replaced by T.
Protein change: p.Arg489Trp; replaces arginine 489 with tryptophan.
Molecular consequence: missense variant.
Genome position (GRCh38, 1-based): chr17:38,335,213, G>A on the plus strand (C>T on the coding strand, the complement: GPR179 is on the minus strand). VCF-style: chr17-38335213-G-A. GRCh37 (hg19) VCF-style: chr17-36491096-G-A.
Other names: short protein forms R489W.
Identifiers: ClinVar variation 1487678 (VCV001487678.6), dbSNP rs1231986529, ClinGen allele CA398886792.